The following is an entry in ClinVar:

NM_001371596.2(MFSD8):c.170T>C (p.Met57Thr)

Gene: MFSD8 (major facilitator superfamily domain containing 8; minus strand). Cytogenetic location: 4q28.2.
Variant type: single nucleotide variant.
Coding change: c.170T>C on transcript NM_001371596.2 (MANE Select); coding-DNA position 170, T replaced by C.
Protein change: p.Met57Thr; replaces methionine 57 with threonine.
Molecular consequence: missense variant.
Genome position (GRCh38, 1-based): chr4:127,949,832, A>G on the plus strand (T>C on the coding strand, the complement: MFSD8 is on the minus strand). VCF-style: chr4-127949832-A-G. GRCh37 (hg19) VCF-style: chr4-128870987-A-G.
Other names: c.170T>C, p.Met57Thr (NM_001363520.3, NM_001363521.3, NM_001371591.2 and 5 more transcripts); c.35T>C, p.Met12Thr (NM_001371590.2, NM_001371595.1, NM_001410765.1); short protein forms M12T, M57T.
Identifiers: ClinVar variation 848581 (VCV000848581.11), dbSNP rs895772342, ClinGen allele CA358178399.

ClinVar aggregate classification (germline): Uncertain significance (1 of 4 stars; one submission).

Conditions:
Neuronal ceroid lipofuscinosis 7 (CLN7). Also called: MFSD8-Related Neuronal Ceroid-Lipofuscinosis. Identifiers: Orphanet 168491, Orphanet 228366, MedGen C1838571, MONDO:0012588, OMIM 610951.

Allele frequency attached by ClinVar (database versions not stated): gnomAD exomes below 0.00001; TOPMed below 0.00001.
gnomAD v4.1: 1 of 1,611,840 alleles (0.000062%); highest among the groups gnomAD compares: Admixed American, 0.0017%; no homozygotes.

Submission:

Labcorp Genetics (formerly Invitae), Labcorp
Classification: Uncertain significance for Neuronal ceroid lipofuscinosis 7. Last evaluated: 2019-12-22. Review status: criteria provided, single submitter. Criteria: Invitae Variant Classification Sherloc (09022015). Collection method: clinical testing. Allele origin: germline.
Comment: This variant has not been reported in the literature in individuals with MFSD8-related conditions. In summary, the available evidence is currently insufficient to determine the role of this variant in disease. Therefore, it has been classified as a Variant of Uncertain Significance. Algorithms developed to predict the effect of missense changes on protein structure and function are either unavailable or do not agree on the potential impact of this missense change (SIFT: "Deleterious"; PolyPhen-2: "Benign"; Align-GVGD: "Class C0"). This variant is not present in population databases (ExAC no frequency). This sequence change replaces methionine with threonine at codon 57 of the MFSD8 protein (p.Met57Thr). The methionine residue is weakly conserved and there is a moderate physicochemical difference between methionine and threonine.